The following is an entry in ClinVar:

NM_001146197.3(LRTM3):c.5334G>T (p.Thr1778=)

Gene: LRTM3 (leucine rich repeat transmembrane protein 3; minus strand). Cytogenetic location: 13q33.1.
Variant type: single nucleotide variant.
Coding change: c.5334G>T on transcript NM_001146197.3 (MANE Select); coding-DNA position 5334, G replaced by T.
Protein change: p.Thr1778=; no amino-acid change (threonine 1778 retained).
Molecular consequence: synonymous variant.
Genome position (GRCh38, 1-based): chr13:102,745,363, C>A on the plus strand (G>T on the coding strand, the complement: LRTM3 is on the minus strand). VCF-style: chr13-102745363-C-A. GRCh37 (hg19) VCF-style: chr13-103397713-C-A.
Identifiers: ClinVar variation 2643912 (VCV002643912.24), dbSNP rs779699773, ClinGen allele CA7039633.

ClinVar aggregate classification (germline): Likely benign (1 of 4 stars; one submission).

Allele frequency attached by ClinVar (database versions not stated): ExAC 0.00005.
gnomAD v4.1: 32 of 1,550,362 alleles (0.0021%); highest among the groups gnomAD compares: Non-Finnish European, 0.0026%; no homozygotes.

Submission:

CeGaT Center for Human Genetics Tuebingen
Classification: Likely benign. Last evaluated: 2023-03-01. Review status: criteria provided, single submitter. Criteria: CeGaT Center For Human Genetics Tuebingen Variant Classification Criteria Version 2. Collection method: clinical testing. Allele origin: germline. Affected: yes. Observed: 1 variant allele.
Comment: LRTM3: BP4, BP7